The following is an entry in ClinVar:

NM_024876.4(COQ8B):c.747C>T (p.Ser249=)

Gene: COQ8B (coenzyme Q8B; minus strand). Cytogenetic location: 19q13.2.
Variant type: single nucleotide variant.
Coding change: c.747C>T on transcript NM_024876.4 (MANE Select); coding-DNA position 747, C replaced by T.
Protein change: p.Ser249=; no amino-acid change (serine 249 retained).
Molecular consequence: synonymous variant.
Genome position (GRCh38, 1-based): chr19:40,703,593, G>A on the plus strand (C>T on the coding strand, the complement: COQ8B is on the minus strand). VCF-style: chr19-40703593-G-A. GRCh37 (hg19) VCF-style: chr19-41209498-G-A.
Other names: c.624C>T, p.Ser208= (NM_001142555.3).
Identifiers: ClinVar variation 4982247 (VCV004982247.1).
Genomic context (GRCh38, chr19:40,703,593, plus strand): 5'-CGCCTCACCCGCGGGCAGGGCCGCGCTCATCTTGAGTACCGCCAGCAGGTTCTGGACATC[G>A]CTCTGAATGCTCTGGGCTATGCCGGGGTACTGTAAAGGGAGAAGGGAGGGAGAGAAGGTG-3'
Protein context (NP_079152.3, residues 239-259): QYPGIAQSIQ[Ser249=]DVQNLLAVLK

ClinVar aggregate classification (germline): Likely benign (1 of 4 stars; one submission).

Conditions:
COQ8B-related disorder. Also called: COQ8B-related condition.

gnomAD v4.1: 25 of 1,611,368 alleles (0.0016%); highest among the groups gnomAD compares: South Asian, 0.018%; no homozygotes.

Submission:

PreventionGenetics, part of Exact Sciences
Classification: Likely benign for COQ8B-related condition. Last evaluated: 2025-02-17. Review status: criteria provided, single submitter. Criteria: ACMG Guidelines, 2015. Collection method: clinical testing. Allele origin: germline.
Comment: This variant is classified as likely benign based on ACMG/AMP sequence variant interpretation guidelines (Richards et al. 2015 PMID: 25741868, with internal and published modifications).